The following is an entry in ClinVar:

NM_002439.5(MSH3):c.1541A>C (p.Asn514Thr)

Gene: MSH3 (mutS homolog 3; plus strand). Cytogenetic location: 5q14.1.
Variant type: single nucleotide variant.
Coding change: c.1541A>C on transcript NM_002439.5 (MANE Select); coding-DNA position 1541, A replaced by C.
Protein change: p.Asn514Thr; replaces asparagine 514 with threonine.
Molecular consequence: missense variant.
Genome position (GRCh38, 1-based): chr5:80,728,938, A>C. VCF-style: chr5-80728938-A-C. GRCh37 (hg19) VCF-style: chr5-80024757-A-C.
Other names: c.1541A>C (NM_002439.3); short protein forms N514T.
Identifiers: ClinVar variation 1442773 (VCV001442773.9), dbSNP rs1286323562, ClinGen allele CA360274329.

ClinVar aggregate classification (germline): Uncertain significance. Review status: criteria provided, multiple submitters, no conflicts (2 of 4 stars). 2 submissions from 2 submitters: Uncertain significance (2). Last evaluated 2026-01-20.

Conditions:
Hereditary cancer-predisposing syndrome. Also called: Tumor predisposition; Hereditary Cancer Syndrome; Hereditary neoplastic syndrome; Neoplastic Syndromes, Hereditary. Identifiers: Orphanet 140162, MedGen C0027672, MeSH D009386, MONDO:0015356.

Submissions (2):

Labcorp Genetics (formerly Invitae), Labcorp
Classification: Uncertain significance. Last evaluated: 2026-01-20. Review status: criteria provided, single submitter. Criteria: Invitae Variant Classification Sherloc (09022015). Collection method: clinical testing. Allele origin: germline.
Comment: This sequence change replaces asparagine, which is neutral and polar, with threonine, which is neutral and polar, at codon 514 of the MSH3 protein (p.Asn514Thr). This variant is not present in population databases (gnomAD no frequency). This variant has not been reported in the literature in individuals affected with MSH3-related conditions. ClinVar contains an entry for this variant (Variation ID: 1442773). An algorithm developed to predict the effect of missense changes on protein structure and function (PolyPhen-2) suggests that this variant is likely to be disruptive. In summary, the available evidence is currently insufficient to determine the role of this variant in disease. Therefore, it has been classified as a Variant of Uncertain Significance.

Ambry Genetics
Classification: Uncertain significance for Hereditary cancer-predisposing syndrome. Last evaluated: 2025-09-01. Review status: criteria provided, single submitter. Criteria: Ambry Variant Classification Scheme 2023. Collection method: clinical testing. Allele origin: germline.
Comment: The p.N514T variant (also known as c.1541A>C), located in coding exon 10 of the MSH3 gene, results from an A to C substitution at nucleotide position 1541. The asparagine at codon 514 is replaced by threonine, an amino acid with similar properties. This amino acid position is conserved. In addition, the in silico prediction for this alteration is inconclusive. Based on the available evidence, the clinical significance of this variant remains unclear.